The following is an entry in ClinVar:

NM_006642.5(SDCCAG8):c.332A>G (p.Asn111Ser)

Gene: SDCCAG8 (SHH signaling and ciliogenesis regulator SDCCAG8; plus strand). Cytogenetic location: 1q43.
Variant type: single nucleotide variant.
Coding change: c.332A>G on transcript NM_006642.5 (MANE Select); coding-DNA position 332, A replaced by G.
Protein change: p.Asn111Ser; replaces asparagine 111 with serine.
Molecular consequence: missense variant. On other transcripts: 5 prime UTR variant (3).
Genome position (GRCh38, 1-based): chr1:243,274,568, A>G. VCF-style: chr1-243274568-A-G. GRCh37 (hg19) VCF-style: chr1-243437870-A-G.
Other names: c.-781A>G (NM_001350246.2); c.-669A>G (NM_001350247.2); c.332A>G, p.Asn111Ser (NM_001350248.2); c.38A>G, p.Asn13Ser (NM_001350249.2); c.-1042A>G (NM_001350251.2); short protein forms N111S, N13S.
Identifiers: ClinVar variation 4986886 (VCV004986886.1).
Genomic context (GRCh38, chr1:243,274,568, plus strand): 5'-TATTTATGTATTTATTTATTTATTTTTTGTCATAGAGGTCATTAGAACATGAGGAAACCA[A>G]TATGCCTACTATGCACGACCTTGTTCATACTATTAATGACCAGTCTCAATATATTCATCA-3'
Protein context (NP_006633.1, residues 101-121): PLRSLEHEET[Asn111Ser]MPTMHDLVHT

ClinVar aggregate classification (germline): Uncertain significance (1 of 4 stars; one submission).

Conditions:
SDCCAG8-related disorder. Also called: SDCCAG8-related condition; SDCCAG8-Related Disorders.

gnomAD v4.1: 2 of 1,604,208 alleles (0.00012%); highest among the groups gnomAD compares: Non-Finnish European, 0.00017%; no homozygotes.

Submission:

PreventionGenetics, part of Exact Sciences
Classification: Uncertain significance for SDCCAG8-related condition. Last evaluated: 2026-06-30. Review status: criteria provided, single submitter. Criteria: ACMG Guidelines, 2015. Collection method: clinical testing. Allele origin: germline.
Comment: The SDCCAG8 c.332A>G variant is predicted to result in the amino acid substitution p.Asn111Ser. To our knowledge, this variant has not been reported in the literature or in a large population database (gnomAD), indicating this variant is rare. At this time, the clinical significance of this variant is uncertain due to the absence of conclusive functional and genetic evidence.